The following is an entry in ClinVar:

NM_080424.4(SP110):c.1645T>C (p.Cys549Arg)

Gene: SP110 (SP110 nuclear body protein; minus strand). Cytogenetic location: 2q37.1.
Variant type: single nucleotide variant.
Coding change: c.1645T>C on transcript NM_080424.4 (MANE Select); coding-DNA position 1645, T replaced by C.
Protein change: p.Cys549Arg; replaces cysteine 549 with arginine.
Molecular consequence: missense variant.
Genome position (GRCh38, 1-based): chr2:230,172,905, A>G on the plus strand (T>C on the coding strand, the complement: SP110 is on the minus strand). VCF-style: chr2-230172905-A-G. GRCh37 (hg19) VCF-style: chr2-231037621-A-G.
Other names: c.1663T>C, p.Cys555Arg (NM_001378442.1, NM_001378444.1, NM_001378445.1 and 1 more transcripts); c.1645T>C, p.Cys549Arg (NM_001378443.1, NM_004509.5); short protein forms C555R, C549R.
Identifiers: ClinVar variation 2169134 (VCV002169134.4), dbSNP rs371526319, ClinGen allele CA66731350.

ClinVar aggregate classification (germline): Uncertain significance (1 of 4 stars; one submission).

Conditions:
Hepatic veno-occlusive disease-immunodeficiency syndrome. Also called: Hepatic Veno-Occlusive Disease with Immunodeficiency. Identifiers: Orphanet 79124, MedGen C1856128, MONDO:0009338, OMIM 235550. Disease mechanism: loss of function.

Allele frequency attached by ClinVar (database versions not stated): gnomAD 0.00002; TOPMed 0.00003; ESP Exome Variant Server 0.00008.
gnomAD v4.1: 3 of 1,614,096 alleles (0.00019%); highest among the groups gnomAD compares: African/African-American, 0.004%; no homozygotes.

Submission:

Labcorp Genetics (formerly Invitae), Labcorp
Classification: Uncertain significance for Hepatic veno-occlusive disease-immunodeficiency syndrome. Last evaluated: 2025-06-23. Review status: criteria provided, single submitter. Criteria: Invitae Variant Classification Sherloc (09022015). Collection method: clinical testing. Allele origin: germline.
Comment: This sequence change replaces cysteine, which is neutral and slightly polar, with arginine, which is basic and polar, at codon 549 of the SP110 protein (p.Cys549Arg). This variant is not present in population databases (gnomAD no frequency). This variant has not been reported in the literature in individuals affected with SP110-related conditions. ClinVar contains an entry for this variant (Variation ID: 2169134). An algorithm developed to predict the effect of missense changes on protein structure and function (PolyPhen-2) suggests that this variant is likely to be disruptive. In summary, the available evidence is currently insufficient to determine the role of this variant in disease. Therefore, it has been classified as a Variant of Uncertain Significance.